The following is an entry in ClinVar:

ClinVar aggregate classification (germline): Uncertain significance. Review status: criteria provided, multiple submitters, no conflicts (2 of 4 stars). 2 submissions from 2 submitters: Uncertain significance (2). Last evaluated 2024-02-08.

Conditions:
MEGF8-related Carpenter syndrome. Also called: Carpenter syndrome 2. Identifiers: Orphanet 65759, MedGen C3554247, MONDO:0013998, OMIM 614976.
Inborn genetic diseases. Identifiers: MedGen C0950123, MeSH D030342.

Allele frequency attached by ClinVar (database versions not stated): TOPMed below 0.00001; gnomAD 0.00001; gnomAD exomes 0.00001; ExAC 0.00002.
gnomAD v4.1: 17 of 1,611,952 alleles (0.0011%); highest among the groups gnomAD compares: Middle Eastern, 0.016%; no homozygotes.

Submissions (2):

Labcorp Genetics (formerly Invitae), Labcorp
Classification: Uncertain significance for MEGF8-related Carpenter syndrome. Last evaluated: 2024-02-08. Review status: criteria provided, single submitter. Criteria: Invitae Variant Classification Sherloc (09022015). Collection method: clinical testing. Allele origin: germline.
Comment: This sequence change replaces alanine, which is neutral and non-polar, with glutamic acid, which is acidic and polar, at codon 2666 of the MEGF8 protein (p.Ala2666Glu). This variant is present in population databases (rs763736870, gnomAD 0.003%). This variant has not been reported in the literature in individuals affected with MEGF8-related conditions. ClinVar contains an entry for this variant (Variation ID: 2234378). An algorithm developed to predict the effect of missense changes on protein structure and function (PolyPhen-2) suggests that this variant is likely to be tolerated. In summary, the available evidence is currently insufficient to determine the role of this variant in disease. Therefore, it has been classified as a Variant of Uncertain Significance.

Ambry Genetics
Classification: Uncertain significance for Inborn genetic diseases. Last evaluated: 2021-06-22. Review status: criteria provided, single submitter. Criteria: Ambry Variant Classification Scheme 2023. Collection method: clinical testing. Allele origin: germline.

NM_001271938.2(MEGF8):c.8198C>A (p.Ala2733Glu)

Gene: MEGF8 (multiple EGF like domains 8; plus strand). Cytogenetic location: 19q13.2.
Variant type: single nucleotide variant.
Coding change: c.8198C>A on transcript NM_001271938.2 (MANE Select); coding-DNA position 8198, C replaced by A.
Protein change: p.Ala2733Glu; replaces alanine 2733 with glutamic acid.
Molecular consequence: missense variant.
Genome position (GRCh38, 1-based): chr19:42,376,435, C>A. VCF-style: chr19-42376435-C-A. GRCh37 (hg19) VCF-style: chr19-42880587-C-A.
Other names: c.7997C>A, p.Ala2666Glu (NM_001410.3); short protein forms A2666E, A2733E.
Identifiers: ClinVar variation 2234378 (VCV002234378.4), dbSNP rs763736870, ClinGen allele CA9476345.